The following continues an entry in ClinVar:

NM_000443.4(ABCB4):c.959C>T (p.Ser320Phe)

Gene: ABCB4. ClinVar aggregate classification (germline): Pathogenic/Likely pathogenic. Pathogenic (13); Likely pathogenic (2).

Submissions 11 to 21 of 21:

Department of Pathology and Laboratory Medicine, Sinai Health System
Classification: Pathogenic for Cholestasis, intrahepatic, of pregnancy, 3; Progressive familial intrahepatic cholestasis type 3; Low phospholipid associated cholelithiasis. Last evaluated: 2023-01-04. Review status: criteria provided, single submitter. Criteria: ACMG Guidelines, 2015. Collection method: research. Allele origin: germline.

Mendelics
Classification: Pathogenic for Low phospholipid associated cholelithiasis. Last evaluated: 2022-05-04. Review status: criteria provided, single submitter. Criteria: Mendelics Assertion Criteria 2019. Collection method: clinical testing. Allele origin: germline.

CeGaT Center for Human Genetics Tuebingen
Classification: Pathogenic. Last evaluated: 2021-07-01. Review status: criteria provided, single submitter. Criteria: CeGaT Center For Human Genetics Tuebingen Variant Classification Criteria Version 2. Collection method: clinical testing. Allele origin: germline. Affected: yes. Observed: 1 variant allele.

Eurofins Ntd Llc (ga)
Classification: Pathogenic. Last evaluated: 2018-08-24. Review status: criteria provided, single submitter. Criteria: EGL ClinVar v180209 classification definitions. Collection method: clinical testing. Allele origin: germline. Observed: 9 variant alleles, 9 heterozygotes.

Illumina Laboratory Services, Illumina
Classification: Pathogenic for Cholecystitis. Last evaluated: 2017-04-28. Review status: criteria provided, single submitter. Criteria: ICSL Variant Classification Criteria 09 May 2019. Collection method: clinical testing. Allele origin: germline.
Comment: Across a selection of the available literature, the ABCB4 c.959C>T (p.Ser320Phe) missense variant has been identified in a homozygous state in four patients with intrahepatic cholestasis of pregnancy, in a homozygous state in one patient with progressive familial intrahepatic cholestasis type 3, in a homozygous state in one patient with low phospholipid associated cholelithiasis, and in a compound heterozygotes state in seven patients with progressive familial intrahepatic cholestasis type 3 (Rosmorduc et al. 2001; Rosmorduc et al. 2003; Pauli-Magnus et al. 2004; Keitel et al. 2006; Degiorgio et al. 2007; Colombo et al. 2011; Oliveira et al. 2016). The p.Ser320Phe variant was absent from 630 controls and is reported at a frequency of 0.00020 in the European (non-Finnish) population of the Exome Aggregation Consortium. Transfection of the p.Ser320Phe variant into HEK293T and MDCK-II cells showed that the variant protein had similar activity as compared to wild type, however the expression levels were slightly reduced (Kim et al. 2013; Andress et al. 2014; Gordo-Gilart et al. 2016). Based on the evidence, the p.Ser320Phe variant is classified as pathogenic for ABCB4-related intrahepatic cholestasis. This variant was observed by ICSL as part of a predisposition screen in an ostensibly healthy population.

OMIM
Classification: Pathogenic for GALLBLADDER DISEASE 1. Last evaluated: 2009-10-01. Review status: no assertion criteria provided. Collection method: literature only. Allele origin: germline. Not counted in ClinVar's aggregate classification.

OMIM
Classification: Pathogenic for CHOLESTASIS, INTRAHEPATIC, OF PREGNANCY, 3. Last evaluated: 2009-10-01. Review status: no assertion criteria provided. Collection method: literature only. Allele origin: germline. Not counted in ClinVar's aggregate classification.

Clinical Genetics DNA and cytogenetics Diagnostics Lab, Erasmus MC, Erasmus Medical Center
Classification: Likely pathogenic. Review status: no assertion criteria provided. Collection method: clinical testing. Allele origin: germline. Affected: yes. Study: VKGL Data-share Consensus. Not counted in ClinVar's aggregate classification.

Genome Diagnostics Laboratory, University Medical Center Utrecht
Classification: Pathogenic. Review status: no assertion criteria provided. Collection method: clinical testing. Allele origin: germline. Affected: yes. Study: VKGL Data-share Consensus. Not counted in ClinVar's aggregate classification.

NIHR Bioresource Rare Diseases, University of Cambridge
Classification: Pathogenic for Cholestasis, intrahepatic, of pregnancy, 3. Review status: no assertion criteria provided. Collection method: research. Allele origin: unknown. Affected: yes. Observed: 2 variant alleles. Not counted in ClinVar's aggregate classification.

Laboratory for Molecular Medicine, Mass General Brigham Personalized Medicine
Classification: Uncertain significance for Progressive familial intrahepatic cholestasis 3. Last evaluated: 2014-08-22. Review status: flagged submission. Criteria: LMM Criteria. Collection method: clinical testing. Allele origin: germline. Observed: 1 variant allele. Study: CSER-MedSeq. Not counted in ClinVar's aggregate classification.
Comment: The Ser320Phe variant in ABCB4 has been reported in 9 heterozygous, 6 homozygous, and 4 compound heterozygous individuals with cholestatic liver disease (Andress 2014, Poupon 2013, Wendum 2012, Bacq 2009, Degiorgio 2007, Colombo 2011, Rosmorduc 2001, Pauli-Magnus 2004, Zimmer 2009, Keitel 2006). This variant has been identified in 1/8600 of European American chromosomes by the NHLBI Exome Sequencing Project (dbSNP rs72552778). Computational analyses (biochemical amino acid properties, conservation and PolyPhen2) do not provide strong support for or against an impact to the protein. In vitro assays suggest the Ser320Phe variant may affect protein function (Andress 2014, Kim 2013); however these types of assays may not accurately represent biological function. In summary, while there is some suspicion for a pathogenic role, the clinical significance of the Ser320Phe variant is uncertain.
ClinVar note: Reason: Outlier claim with insufficient supporting evidence

Literature cited by the submitters: PubMed 36330364 (cited by 3 submitters); PubMed 33757843 (cited by Genomenon, Inc and Dasa); PubMed 31538484 (cited by Genomenon, Inc); PubMed 28776642 (cited by Genomenon, Inc and Mayo Clinic Laboratories, Mayo Clinic); PubMed 28733223 (cited by Genomenon, Inc); PubMed 11313316 (cited by 8 submitters); PubMed 26699824 (cited by Genomenon, Inc and Illumina Laboratory Services, Illumina); PubMed 16890614 (cited by 5 submitters); PubMed 21119540 (cited by 4 submitters); PubMed 24806754 (cited by 7 submitters); PubMed 24381502 (cited by 6 submitters); PubMed 32893960 (cited by 3 submitters); PubMed 17726488 (cited by 5 submitters); PubMed 19840255 (cited by Mayo Clinic Laboratories, Mayo Clinic and Eurofins Ntd Llc (ga)); PubMed 26153658 (cited by Mayo Clinic Laboratories, Mayo Clinic and Illumina Laboratory Services, Illumina); PubMed 32793533 (cited by Mayo Clinic Laboratories, Mayo Clinic); PubMed 33390354 (cited by Mayo Clinic Laboratories, Mayo Clinic); PubMed 34376370 (cited by Mayo Clinic Laboratories, Mayo Clinic); PubMed 35288833 (cited by Mayo Clinic Laboratories, Mayo Clinic); PubMed 38374565 (cited by Mayo Clinic Laboratories, Mayo Clinic); PubMed 25755532 (cited by Variantyx, Inc.); PubMed 12891548 (cited by Eurofins Ntd Llc (ga) and Illumina Laboratory Services, Illumina); PubMed 15077010 (cited by Illumina Laboratory Services, Illumina and Laboratory for Molecular Medicine, Mass General Brigham Personalized Medicine); PubMed 19584064 (cited by OMIM and Laboratory for Molecular Medicine, Mass General Brigham Personalized Medicine); PubMed 32581362 (cited by NIHR Bioresource Rare Diseases, University of Cambridge); PubMed 19490418 (cited by Laboratory for Molecular Medicine, Mass General Brigham Personalized Medicine); PubMed 22331132 (cited by Laboratory for Molecular Medicine, Mass General Brigham Personalized Medicine); PubMed 23533021 (cited by Laboratory for Molecular Medicine, Mass General Brigham Personalized Medicine).